The following is an entry in ClinVar:

NM_003640.5(ELP1):c.*1247T>C

Gene: ELP1 (elongator acetyltransferase complex subunit 1; minus strand). Cytogenetic location: 9q31.3.
Variant type: single nucleotide variant.
Coding change: c.*1247T>C on transcript NM_003640.5 (MANE Select); 1247 bases downstream of the stop codon, T replaced by C.
Molecular consequence: 3 prime UTR variant.
Genome position (GRCh38, 1-based): chr9:108,867,868, A>G on the plus strand (T>C on the coding strand, the complement: ELP1 is on the minus strand). VCF-style: chr9-108867868-A-G. GRCh37 (hg19) VCF-style: chr9-111630148-A-G.
Other names: c.*1247T>C (NM_001318360.2, NM_001330749.2, LRG_251t1).
Identifiers: ClinVar variation 364541 (VCV000364541.5), dbSNP rs76994656, ClinGen allele CA10632200.

ClinVar aggregate classification (germline): Likely benign (1 of 4 stars; one submission).

Conditions:
Familial dysautonomia. Also called: HSAN III; FD. Identifiers: Orphanet 1764, MedGen C0013364, MONDO:0009131, OMIM 223900. Disease mechanism: loss of function.

Allele frequency attached by ClinVar (database versions not stated): gnomAD 0.00100 and 0.00133; 1000 Genomes Project 0.00779; TOPMed 0.00152; 1000 Genomes Project 30x 0.00656.

Submission:

Illumina Laboratory Services, Illumina
Classification: Likely benign for Familial dysautonomia. Last evaluated: 2018-01-13. Review status: criteria provided, single submitter. Criteria: ICSL Variant Classification Criteria 13 December 2019. Collection method: clinical testing. Allele origin: germline.
Comment: This variant was observed in the ICSL laboratory as part of a predisposition screen in an ostensibly healthy population. It had not been previously curated by ICSL or reported in the Human Gene Mutation Database (HGMD: prior to June 1st, 2018), and was therefore a candidate for classification through an automated scoring system. Utilizing variant allele frequency, disease prevalence and penetrance estimates, and inheritance mode, an automated score was calculated to assess if this variant is too frequent to cause the disease. Based on the score and internal cut-off values, a variant classified as likely benign is not then subjected to further curation. The score for this variant resulted in a classification of likely benign for this disease.